The following is an entry in ClinVar:

NM_001458.5(FLNC):c.1853G>A (p.Cys618Tyr)

Gene: FLNC (filamin C; plus strand). Cytogenetic location: 7q32.1.
Variant type: single nucleotide variant.
Coding change: c.1853G>A on transcript NM_001458.5 (MANE Select); coding-DNA position 1853, G replaced by A.
Protein change: p.Cys618Tyr; replaces cysteine 618 with tyrosine.
Molecular consequence: missense variant.
Genome position (GRCh38, 1-based): chr7:128,841,209, G>A. VCF-style: chr7-128841209-G-A. GRCh37 (hg19) VCF-style: chr7-128481263-G-A.
Other names: c.1853G>A, p.Cys618Tyr (NM_001127487.2); short protein forms C618Y.
Identifiers: ClinVar variation 1781375 (VCV001781375.3), dbSNP rs2536628245, ClinGen allele CA369227215.

ClinVar aggregate classification (germline): Uncertain significance. Review status: criteria provided, multiple submitters, no conflicts (2 of 4 stars). 2 submissions from 2 submitters: Uncertain significance (2). Last evaluated 2022-10-21.

Conditions:
Cardiovascular phenotype. Identifiers: MedGen CN230736.

Submissions (2):

Ambry Genetics
Classification: Uncertain significance for Cardiovascular phenotype. Last evaluated: 2022-10-21. Review status: criteria provided, single submitter. Criteria: Ambry Variant Classification Scheme 2023. Collection method: clinical testing. Allele origin: germline.
Comment: The p.C618Y variant (also known as c.1853G>A), located in coding exon 12 of the FLNC gene, results from a G to A substitution at nucleotide position 1853. The cysteine at codon 618 is replaced by tyrosine, an amino acid with highly dissimilar properties. This amino acid position is conserved. In addition, this alteration is predicted to be deleterious by in silico analysis. Since supporting evidence is limited at this time, the clinical significance of this alteration remains unclear.

Blueprint Genetics
Classification: Uncertain significance. Last evaluated: 2020-02-21. Review status: criteria provided, single submitter. Criteria: ACMG Guidelines, 2015. Collection method: clinical testing. Allele origin: germline.